The following is an entry in ClinVar:

ClinVar aggregate classification (germline): Likely pathogenic (1 of 4 stars; one submission).

Conditions:
ELP1-Associated Medulloblastoma. Identifiers: MedGen C5670652.

Submission:

Institute for Genomic Medicine (IGM) Clinical Laboratory, Nationwide Children's Hospital
Classification: Likely pathogenic for ELP1-Associated Medulloblastoma. Last evaluated: 2023-04-04. Review status: criteria provided, single submitter. Criteria: ACMG Guidelines, 2015. Collection method: clinical testing. Allele origin: germline.
Comment: This variant is predicted to result in loss of function through nonsense-mediated decay of the encoded transcript or premature truncation of the encoded protein in a gene in which loss of function is a known mechanism of disease (ACMG/AMP: PVS1). This variant is absent from or present at an exceedingly low frequency in gnomAD, a large-scale control population database (ACMG/AMP: PM2).

NM_003640.5(ELP1):c.1750G>T (p.Glu584Ter)

Gene: ELP1 (elongator acetyltransferase complex subunit 1; minus strand). Cytogenetic location: 9q31.3.
Variant type: single nucleotide variant.
Coding change: c.1750G>T on transcript NM_003640.5 (MANE Select); coding-DNA position 1750, G replaced by T.
Protein change: p.Glu584Ter; replaces glutamic acid 584 with a stop codon.
Molecular consequence: nonsense.
Genome position (GRCh38, 1-based): chr9:108,903,563, C>A on the plus strand (G>T on the coding strand, the complement: ELP1 is on the minus strand). VCF-style: chr9-108903563-C-A. GRCh37 (hg19) VCF-style: chr9-111665843-C-A.
Other names: c.1408G>T, p.Glu470Ter (NM_001318360.2); c.703G>T, p.Glu235Ter (NM_001330749.2); short protein forms E235*, E470*, E584*.
Identifiers: ClinVar variation 4759287 (VCV004759287.1).